The following is an entry in ClinVar:

NM_020461.4(TUBGCP6):c.1471C>T (p.Pro491Ser)

Gene: TUBGCP6 (tubulin gamma complex component 6; minus strand). Cytogenetic location: 22q13.33.
Variant type: single nucleotide variant.
Coding change: c.1471C>T on transcript NM_020461.4 (MANE Select); coding-DNA position 1471, C replaced by T.
Protein change: p.Pro491Ser; replaces proline 491 with serine.
Molecular consequence: missense variant.
Genome position (GRCh38, 1-based): chr22:50,227,019, G>A on the plus strand (C>T on the coding strand, the complement: TUBGCP6 is on the minus strand). VCF-style: chr22-50227019-G-A. GRCh37 (hg19) VCF-style: chr22-50665448-G-A.
Other names: short protein forms P491S.
Identifiers: ClinVar variation 1043111 (VCV001043111.4), dbSNP rs773730638, ClinGen allele CA10308672.

ClinVar aggregate classification (germline): Uncertain significance (1 of 4 stars; one submission).

Allele frequency attached by ClinVar (database versions not stated): ExAC 0.00001; gnomAD exomes below 0.00001.
gnomAD v4.1: 1 of 1,612,352 alleles (0.000062%); highest among the groups gnomAD compares: Non-Finnish European, 0.000085%; no homozygotes.

Submission:

Labcorp Genetics (formerly Invitae), Labcorp
Classification: Uncertain significance. Last evaluated: 2021-10-22. Review status: criteria provided, single submitter. Criteria: Invitae Variant Classification Sherloc (09022015). Collection method: clinical testing. Allele origin: germline.
Comment: This sequence change replaces proline with serine at codon 491 of the TUBGCP6 protein (p.Pro491Ser). The proline residue is weakly conserved and there is a moderate physicochemical difference between proline and serine. This variant is present in population databases (rs773730638, ExAC 0.002%). This variant has not been reported in the literature in individuals affected with TUBGCP6-related conditions. Algorithms developed to predict the effect of missense changes on protein structure and function output the following: SIFT: "Tolerated"; PolyPhen-2: "Benign"; Align-GVGD: "Class C0". The serine amino acid residue is found in multiple mammalian species, which suggests that this missense change does not adversely affect protein function. In summary, the available evidence is currently insufficient to determine the role of this variant in disease. Therefore, it has been classified as a Variant of Uncertain Significance.